The following is an entry in ClinVar:

NM_004360.5(CDH1):c.521A>G (p.Asn174Ser)

Gene: CDH1 (cadherin 1; plus strand). Cytogenetic location: 16q22.1.
Variant type: single nucleotide variant.
Coding change: c.521A>G on transcript NM_004360.5 (MANE Select); coding-DNA position 521, A replaced by G.
Protein change: p.Asn174Ser; replaces asparagine 174 with serine.
Molecular consequence: missense variant. On other transcripts: 5 prime UTR variant (2).
Genome position (GRCh38, 1-based): chr16:68,808,557, A>G. VCF-style: chr16-68808557-A-G. GRCh37 (hg19) VCF-style: chr16-68842460-A-G.
Other names: c.521A>G, p.Asn174Ser (NM_001317184.2); c.-1095A>G (NM_001317185.2); c.-1299A>G (NM_001317186.2); short protein forms N174S.
Identifiers: ClinVar variation 825559 (VCV000825559.8), dbSNP rs1597890718, ClinGen allele CA396457804.

ClinVar aggregate classification (germline): Uncertain significance. Review status: criteria provided, multiple submitters, no conflicts (2 of 4 stars). 2 submissions from 2 submitters: Uncertain significance (2). Last evaluated 2026-05-15.

Conditions:
Hereditary cancer-predisposing syndrome. Also called: Tumor predisposition; Neoplastic Syndromes, Hereditary; Hereditary neoplastic syndrome; Hereditary Cancer Syndrome. Identifiers: Orphanet 140162, MedGen C0027672, MeSH D009386, MONDO:0015356.
Hereditary diffuse gastric adenocarcinoma (HDGC). Also called: DIFFUSE GASTRIC AND LOBULAR BREAST CANCER SYNDROME. Identifiers: Orphanet 26106, MedGen C1708349, MONDO:0007648, OMIM 137215.

Submissions (2):

Ambry Genetics
Classification: Uncertain significance for Hereditary cancer-predisposing syndrome. Last evaluated: 2026-05-15. Review status: criteria provided, single submitter. Criteria: Ambry Variant Classification Scheme 2023. Collection method: clinical testing. Allele origin: germline.
Comment: The p.N174S variant (also known as c.521A>G), located in coding exon 4 of the CDH1 gene, results from an A to G substitution at nucleotide position 521. The asparagine at codon 174 is replaced by serine, an amino acid with highly similar properties. This amino acid position is not well conserved in available vertebrate species. In addition, this alteration is predicted to be tolerated by in silico analysis. Based on the available evidence, the clinical significance of this variant remains unclear.

Labcorp Genetics (formerly Invitae), Labcorp
Classification: Uncertain significance for Hereditary diffuse gastric adenocarcinoma. Last evaluated: 2024-11-17. Review status: criteria provided, single submitter. Criteria: Invitae Variant Classification Sherloc (09022015). Collection method: clinical testing. Allele origin: germline.
Comment: This sequence change replaces asparagine, which is neutral and polar, with serine, which is neutral and polar, at codon 174 of the CDH1 protein (p.Asn174Ser). This variant is not present in population databases (gnomAD no frequency). This variant has not been reported in the literature in individuals affected with CDH1-related conditions. ClinVar contains an entry for this variant (Variation ID: 825559). An algorithm developed to predict the effect of missense changes on protein structure and function outputs the following: PolyPhen-2: "Benign". The serine amino acid residue is found in multiple mammalian species, which suggests that this missense change does not adversely affect protein function. In summary, the available evidence is currently insufficient to determine the role of this variant in disease. Therefore, it has been classified as a Variant of Uncertain Significance.